The following is an entry in ClinVar:

NM_015338.6(ASXL1):c.4243C>T (p.Arg1415Ter)

Gene: ASXL1 (ASXL transcriptional regulator 1; plus strand). Cytogenetic location: 20q11.21.
Variant type: single nucleotide variant.
Coding change: c.4243C>T on transcript NM_015338.6 (MANE Select); coding-DNA position 4243, C replaced by T.
Protein change: p.Arg1415Ter; replaces arginine 1415 with a stop codon.
Molecular consequence: nonsense.
Genome position (GRCh38, 1-based): chr20:32,436,955, C>T. VCF-style: chr20-32436955-C-T. GRCh37 (hg19) VCF-style: chr20-31024758-C-T.
Other names: c.4060C>T, p.Arg1354Ter (NM_001363734.1); short protein forms R1415*, R1354*.
Identifiers: ClinVar variation 488969 (VCV000488969.8), dbSNP rs754129466, ClinGen allele CA408564748.

ClinVar aggregate classification (germline): Pathogenic. Review status: criteria provided, multiple submitters, no conflicts (2 of 4 stars). 3 submissions from 3 submitters: Pathogenic (2). 1 of the submissions does not count toward it. Last evaluated 2023-10-25.

Conditions:
Rubinstein Taybi like syndrome. Identifiers: MedGen C2931052, MONDO:0043195.
Inborn genetic diseases. Identifiers: MedGen C0950123, MeSH D030342.

Submissions (3):

GeneDx
Classification: Pathogenic. Last evaluated: 2023-10-25. Review status: criteria provided, single submitter. Criteria: GeneDx Variant Classification Process June 2021. Collection method: clinical testing. Allele origin: germline. Affected: yes.
Comment: Nonsense variant predicted to result in protein truncation, although loss-of-function variants have not been reported downstream of this position in the protein; Not observed in large population cohorts (gnomAD); This variant is associated with the following publications: (PMID: 28991257, 30806792, 32369273, 32368696, 33084842, 35361921)

Ambry Genetics
Classification: Pathogenic for Inborn genetic diseases. Last evaluated: 2017-02-16. Review status: criteria provided, single submitter. Criteria: Ambry exome assertion method (8-5-2015). Collection method: clinical testing. Allele origin: germline. Affected: yes. Observed: 1 variant allele.

University of Washington Center for Mendelian Genomics, University of Washington
Classification: Likely pathogenic for Rubinstein-Taybi syndrome-like. Review status: no assertion criteria provided. Collection method: research. Allele origin: de novo. Affected: yes. Not counted in ClinVar's aggregate classification.

Literature cited by the submitters: PubMed 16412590 (cited by Ambry Genetics); PubMed 30806792 (cited by University of Washington Center for Mendelian Genomics, University of Washington).